The following is an entry in ClinVar:

ClinVar aggregate classification (germline): Conflicting classifications of pathogenicity. Review status: criteria provided, conflicting classifications (1 of 4 stars). 4 submissions from 4 submitters: Uncertain significance (3); Likely benign (1). Last evaluated 2024-11-10.

Conditions:
Catecholaminergic polymorphic ventricular tachycardia (CVPT). Also called: Catecholamine-induced polymorphic ventricular tachycardia. Identifiers: Orphanet 3286, MedGen C5574922, MONDO:0017990.
Ventricular arrhythmias due to cardiac ryanodine receptor calcium release deficiency syndrome. Also called: Autosomal dominant cardiac arrhythmia (Kuhn). Identifiers: MedGen C5542154, MONDO:0020745, OMIM 115000.
Catecholaminergic polymorphic ventricular tachycardia 1. Also called: VENTRICULAR TACHYCARDIA, CATECHOLAMINERGIC POLYMORPHIC, 1, WITH OR WITHOUT ATRIAL DYSFUNCTION AND/OR DILATED CARDIOMYOPATHY; VENTRICULAR TACHYCARDIA, STRESS-INDUCED POLYMORPHIC 1; RYR2-Related Catecholaminergic Polymorphic Ventricular Tachycardia. Identifiers: Orphanet 3286, MedGen C1631597, MONDO:0011484, OMIM 604772.
Cardiovascular phenotype. Identifiers: MedGen CN230736.

Allele frequency attached by ClinVar (database versions not stated): gnomAD exomes below 0.00001; TOPMed 0.00001; ESP Exome Variant Server 0.00009.
gnomAD v4.1: 1 of 1,591,144 alleles (0.000063%); highest among the groups gnomAD compares: African/African-American, 0.0014%; no homozygotes.

Submissions (4):

Labcorp Genetics (formerly Invitae), Labcorp
Classification: Likely benign for Catecholaminergic polymorphic ventricular tachycardia 1. Last evaluated: 2024-11-10. Review status: criteria provided, single submitter. Criteria: Invitae Variant Classification Sherloc (09022015). Collection method: clinical testing. Allele origin: germline.

All of Us Research Program, National Institutes of Health
Classification: Uncertain significance for Catecholaminergic polymorphic ventricular tachycardia. Last evaluated: 2024-05-30. Review status: criteria provided, single submitter. Criteria: ACMG Guidelines, 2015. Collection method: clinical testing. Allele origin: germline. Inheritance: Autosomal dominant inheritance. Observed: 1 variant allele, 1 heterozygote.
Comment: This missense variant replaces isoleucine with methionine at codon 2746 of the RYR2 protein. Computational prediction suggests that this variant may not impact protein structure and function (internally defined REVEL score threshold <= 0.5, PMID: 27666373). To our knowledge, functional studies have not been reported for this variant. This variant has not been reported in individuals affected with RYR2-related disorders in the literature. This variant has been identified in 1/229006 chromosomes in the general population by the Genome Aggregation Database (gnomAD). The available evidence is insufficient to determine the role of this variant in disease conclusively. Therefore, this variant is classified as a Variant of Uncertain Significance.

This study involves interpretation of variants in research participants for the purpose of population health screening. Participant phenotype was not available at the time of variant classification. Additional details can be found in publication PMID: 35346344, PMCID: PMC8962531

Ambry Genetics
Classification: Uncertain significance for Cardiovascular phenotype. Last evaluated: 2021-07-23. Review status: criteria provided, single submitter. Criteria: Ambry Variant Classification Scheme 2023. Collection method: clinical testing. Allele origin: germline.
Comment: The p.I2746M variant (also known as c.8238A>G), located in coding exon 55 of the RYR2 gene, results from an A to G substitution at nucleotide position 8238. The isoleucine at codon 2746 is replaced by methionine, an amino acid with highly similar properties. This amino acid position is not well conserved in available vertebrate species. In addition, this alteration is predicted to be tolerated by in silico analysis. Since supporting evidence is limited at this time, the clinical significance of this alteration remains unclear.

Center for Genomics, Ann and Robert H. Lurie Children's Hospital of Chicago
Classification: Uncertain significance for Catecholaminergic polymorphic ventricular tachycardia 1; Ventricular arrhythmias due to cardiac ryanodine receptor calcium release deficiency syndrome. Review status: criteria provided, single submitter. Criteria: ACMG Guidelines, 2015. Collection method: clinical testing. Allele origin: germline.
Comment: RYR2 NM_001035.2 exon 55 p.Ile2746Met (c.8238A>G): This variant has not been reported in the literature and is present in 0.007% (1/13958) of African alleles in the Genome Aggregation Database. This variant amino acid Methionine (Met) is present in several species including the american alligator, chinese softshell turtle, and the spiny softshell turtle, and it is not well conserved among evolutionarily distant species; this suggests that this variant may not impact the protein. Additional computational prediction tools do not suggest an impact . In summary, data on this variant is insufficient for disease classification. Therefore, the clinical significance of this variant is uncertain.

NM_001035.3(RYR2):c.8238A>G (p.Ile2746Met)

Gene: RYR2 (ryanodine receptor 2; plus strand). Cytogenetic location: 1q43.
Variant type: single nucleotide variant.
Coding change: c.8238A>G on transcript NM_001035.3 (MANE Select); coding-DNA position 8238, A replaced by G.
Protein change: p.Ile2746Met; replaces isoleucine 2746 with methionine.
Molecular consequence: missense variant.
Genome position (GRCh38, 1-based): chr1:237,660,014, A>G. VCF-style: chr1-237660014-A-G. GRCh37 (hg19) VCF-style: chr1-237823314-A-G.
Other names: short protein forms I2746M.
Identifiers: ClinVar variation 1762571 (VCV001762571.10), dbSNP rs371604667, ClinGen allele CA39805230.